The following is an entry in ClinVar:

ClinVar aggregate classification (germline): Benign/Likely benign. Review status: criteria provided, multiple submitters, no conflicts (2 of 4 stars). 6 submissions from 6 submitters: Benign (1); Likely benign (5). Last evaluated 2025-03-04.

Conditions:
Hereditary cancer-predisposing syndrome. Also called: Hereditary Cancer Syndrome; Hereditary neoplastic syndrome; Neoplastic Syndromes, Hereditary; Tumor predisposition. Identifiers: Orphanet 140162, MedGen C0027672, MeSH D009386, MONDO:0015356.
BAP1-related tumor predisposition syndrome (TPDS1). Also called: COMMON Syndrome; TUMOR PREDISPOSITION SYNDROME 1; Tumor susceptibility linked to germline BAP1 mutations; BAP1 tumor predisposition syndrome. Identifiers: Orphanet 289539, MedGen C3280492, MONDO:0013692, OMIM 614327.

Allele frequency attached by ClinVar (database versions not stated): TOPMed below 0.00001; gnomAD exomes 0.00001 and 0.00003; ExAC 0.00003.

Submissions (6):

Center for Genomic Medicine, Rigshospitalet, Copenhagen University Hospital
Classification: Likely benign. Last evaluated: 2025-03-04. Review status: criteria provided, single submitter. Criteria: ACMG Guidelines, 2015. Collection method: clinical testing. Allele origin: germline.

Labcorp Genetics (formerly Invitae), Labcorp
Classification: Likely benign for BAP1-related tumor predisposition syndrome. Last evaluated: 2025-01-12. Review status: criteria provided, single submitter. Criteria: Invitae Variant Classification Sherloc (09022015). Collection method: clinical testing. Allele origin: germline.

Myriad Genetics, Inc.
Classification: Benign for BAP1-related tumor predisposition syndrome. Last evaluated: 2024-07-18. Review status: criteria provided, single submitter. Criteria: Myriad Autosomal Dominant, Autosomal Recessive and X-Linked Classification Criteria (2023). Collection method: clinical testing. Allele origin: unknown.
Comment: This variant is considered benign. This variant is a silent/synonymous amino acid change and it is not expected to impact splicing.

GeneDx
Classification: Likely benign. Last evaluated: 2020-01-25. Review status: criteria provided, single submitter. Criteria: GeneDx Variant Classification Process June 2021. Collection method: clinical testing. Allele origin: germline. Affected: yes.

Color Diagnostics, LLC DBA Color Health
Classification: Likely benign for Hereditary cancer-predisposing syndrome. Last evaluated: 2018-07-31. Review status: criteria provided, single submitter. Criteria: ACMG Guidelines, 2015. Collection method: clinical testing. Allele origin: germline.

Ambry Genetics
Classification: Likely benign for Hereditary cancer-predisposing syndrome. Last evaluated: 2015-08-08. Review status: criteria provided, single submitter. Criteria: Ambry Variant Classification Scheme 2023. Collection method: clinical testing. Allele origin: germline.

NM_004656.4(BAP1):c.2103C>T (p.Arg701=)

Gene: BAP1 (BRCA1 associated deubiquitinase 1; minus strand). Cytogenetic location: 3p21.1.
Variant type: single nucleotide variant.
Coding change: c.2103C>T on transcript NM_004656.4 (MANE Select); coding-DNA position 2103, C replaced by T.
Protein change: p.Arg701=; no amino-acid change (arginine 701 retained).
Molecular consequence: synonymous variant.
Genome position (GRCh38, 1-based): chr3:52,402,375, G>A on the plus strand (C>T on the coding strand, the complement: BAP1 is on the minus strand). VCF-style: chr3-52402375-G-A. GRCh37 (hg19) VCF-style: chr3-52436391-G-A.
Other names: c.2103C>T (LRG_529t1).
Identifiers: ClinVar variation 383809 (VCV000383809.21), dbSNP rs757780962, ClinGen allele CA2436589.